The following is an entry in ClinVar:

NM_000540.3(RYR1):c.5731G>A (p.Glu1911Lys)

Gene: RYR1 (ryanodine receptor 1; plus strand). Cytogenetic location: 19q13.2.
Variant type: single nucleotide variant.
Coding change: c.5731G>A on transcript NM_000540.3 (MANE Select); coding-DNA position 5731, G replaced by A.
Protein change: p.Glu1911Lys; replaces glutamic acid 1911 with lysine.
Molecular consequence: missense variant.
Genome position (GRCh38, 1-based): chr19:38,489,360, G>A. VCF-style: chr19-38489360-G-A. GRCh37 (hg19) VCF-style: chr19-38980000-G-A.
Other names: c.5731G>A, p.Glu1911Lys (NM_001042723.2); short protein forms E1911K.
Identifiers: ClinVar variation 3072771 (VCV003072771.1), dbSNP rs1969448965, ClinGen allele CA405658970.

ClinVar aggregate classification (germline): Uncertain significance (1 of 4 stars; one submission).

Conditions:
Malignant hyperthermia, susceptibility to, 1 (MHS1). Also called: Anesthesia related hyperthermia; Malignant hyperpyrexia; Fulminating hyperpyrexia; Pharmacogenic myopathy; RYR1-Related Malignant Hyperthermia Susceptibility; Malignant hyperthermia suceptibility 1. Identifiers: Orphanet 423, MedGen C2930980, MONDO:0007783, OMIM 145600.

Allele frequency attached by ClinVar (database versions not stated): gnomAD exomes below 0.00001; gnomAD 0.00001; TOPMed 0.00001.
gnomAD v4.1: 4 of 1,612,936 alleles (0.00025%); highest among the groups gnomAD compares: African/African-American, 0.0027%; no homozygotes.

Submission:

All of Us Research Program, National Institutes of Health
Classification: Uncertain significance for Malignant hyperthermia, susceptibility to, 1. Last evaluated: 2023-08-15. Review status: criteria provided, single submitter. Criteria: ACMG Guidelines, 2015. Collection method: clinical testing. Allele origin: germline. Inheritance: Autosomal dominant inheritance. Observed: 1 variant allele, 1 heterozygote.
Comment: This missense variant replaces glutamic acid with lysine at codon 1911 of the RYR1 protein. Computational prediction suggests that this variant may not impact protein structure and function (internally defined REVEL score threshold <= 0.5, PMID: 27666373). To our knowledge, functional studies have not been reported for this variant. This variant has not been reported in individuals affected with RYR1-related disorders in the literature. This variant has not been identified in the general population by the Genome Aggregation Database (gnomAD). The available evidence is insufficient to determine the role of this variant in disease conclusively. Therefore, this variant is classified as a Variant of Uncertain Significance.

This study involves interpretation of variants in research participants for the purpose of population health screening. Participant phenotype was not available at the time of variant classification. Additional details can be found in publication PMID: 35346344, PMCID: PMC8962531